The following is an entry in ClinVar:

NM_001375765.1(GIGYF1):c.308T>G (p.Met103Arg)

Gene: GIGYF1 (GRB10 interacting GYF protein 1; minus strand). Cytogenetic location: 7q22.1.
Variant type: single nucleotide variant.
Coding change: c.308T>G on transcript NM_001375765.1 (MANE Select); coding-DNA position 308, T replaced by G.
Protein change: p.Met103Arg; replaces methionine 103 with arginine.
Molecular consequence: missense variant. On other transcripts: non-coding transcript variant (1).
Genome position (GRCh38, 1-based): chr7:100,687,570, A>C on the plus strand (T>G on the coding strand, the complement: GIGYF1 is on the minus strand). VCF-style: chr7-100687570-A-C. GRCh37 (hg19) VCF-style: chr7-100285193-A-C.
Other names: NM_022574.4:c.308T>G; c.308T>G, p.Met103Arg (NM_001375759.1, NM_001375760.1, NM_001375761.1 and 6 more transcripts); short protein forms M103R.
Identifiers: ClinVar variation 3344860 (VCV003344860.1).

ClinVar aggregate classification (germline): Uncertain significance (0 of 4 stars; one submission).

Conditions:
GIGYF1-related disorder. Also called: GIGYF1-related condition.

Submission:

PreventionGenetics, part of Exact Sciences
Classification: Uncertain significance for GIGYF1-related condition. Last evaluated: 2024-09-25. Review status: no assertion criteria provided. Collection method: clinical testing. Allele origin: germline.
Comment: The GIGYF1 c.308T>G variant is predicted to result in the amino acid substitution p.Met103Arg. To our knowledge, this variant has not been reported in the literature or in a large population database, indicating this variant is rare. At this time, the clinical significance of this variant is uncertain due to the absence of conclusive functional and genetic evidence.